The following is an entry in ClinVar:

NM_000135.4(FANCA):c.3916T>C (p.Phe1306Leu)

Genes: FANCA (FA complementation group A; minus strand), ZNF276 (zinc finger protein 276; plus strand). Cytogenetic location: 16q24.3.
Variant type: single nucleotide variant.
Coding change: c.3916T>C on transcript NM_000135.4 (MANE Select); coding-DNA position 3916, T replaced by C.
Protein change: p.Phe1306Leu; replaces phenylalanine 1306 with leucine.
Molecular consequence: missense variant. On other transcripts: 3 prime UTR variant (2), non-coding transcript variant (4).
Genome position (GRCh38, 1-based): chr16:89,740,012, A>G on the plus strand (T>C on the coding strand, the complement: FANCA is on the minus strand). VCF-style: chr16-89740012-A-G. GRCh37 (hg19) VCF-style: chr16-89806420-A-G.
Other names: c.3916T>C, p.Phe1306Leu (NM_001286167.3); c.*1766A>G (NM_001113525.2, NM_152287.4); short protein forms F1306L.
Identifiers: ClinVar variation 2151021 (VCV002151021.2), dbSNP rs2544087989, ClinGen allele CA397484935.

ClinVar aggregate classification (germline): Uncertain significance (1 of 4 stars; one submission).

Conditions:
Fanconi anemia (FA). Also called: Fanconi's anemia. Identifiers: Orphanet 84, MedGen C0015625, MeSH D005199, MONDO:0019391.

Allele frequency attached by ClinVar (database versions not stated): gnomAD exomes 0.00001.
gnomAD v4.1: 20 of 1,614,176 alleles (0.0012%); highest among the groups gnomAD compares: Non-Finnish European, 0.0016%; no homozygotes.

Submission:

Labcorp Genetics (formerly Invitae), Labcorp
Classification: Uncertain significance for Fanconi anemia. Last evaluated: 2025-09-15. Review status: criteria provided, single submitter. Criteria: Invitae Variant Classification Sherloc (09022015). Collection method: clinical testing. Allele origin: germline.
Comment: This sequence change replaces phenylalanine, which is neutral and non-polar, with leucine, which is neutral and non-polar, at codon 1306 of the FANCA protein (p.Phe1306Leu). This variant is not present in population databases (gnomAD no frequency). This variant has not been reported in the literature in individuals affected with FANCA-related conditions. ClinVar contains an entry for this variant (Variation ID: 2151021). Invitae Evidence Modeling of protein sequence and biophysical properties (such as structural, functional, and spatial information, amino acid conservation, physicochemical variation, residue mobility, and thermodynamic stability) has been performed for this missense variant. However, the output from this modeling did not meet the statistical confidence thresholds required to predict the impact of this variant on FANCA protein function. In summary, the available evidence is currently insufficient to determine the role of this variant in disease. Therefore, it has been classified as a Variant of Uncertain Significance.